The following is an entry in ClinVar:

NM_000152.5(GAA):c.-17C>T

Gene: GAA (alpha glucosidase; plus strand). Cytogenetic location: 17q25.3.
Variant type: single nucleotide variant.
Coding change: c.-17C>T on transcript NM_000152.5 (MANE Select); 17 bases upstream of the start codon, C replaced by T.
Molecular consequence: 5 prime UTR variant.
Genome position (GRCh38, 1-based): chr17:80,104,570, C>T. VCF-style: chr17-80104570-C-T. GRCh37 (hg19) VCF-style: chr17-78078369-C-T.
Other names: c.-17C>T (NM_001079803.3, NM_001079804.3, NM_001406741.1 and 1 more transcripts).
Identifiers: ClinVar variation 4876630 (VCV004876630.1).

ClinVar aggregate classification (germline): Uncertain significance (1 of 4 stars; one submission).

Conditions:
Glycogen storage disease, type II (IOPD). Also called: Pompe Disease; CARDIOMEGALIA GLYCOGENICA DIFFUSA; GLYCOGENOSIS, GENERALIZED, CARDIAC FORM; GSD II; POMPE DISEASE, INFANTILE-ONSET; GLYCOGEN STORAGE DISEASE II, INFANTILE-ONSET. Identifiers: Orphanet 365, MedGen C0017921, MONDO:0009290, OMIM 232300.

Submission:

Genomenon, Inc
Classification: Uncertain significance for Glycogen storage disease, type II. Last evaluated: 2026-07-01. Review status: criteria provided, single submitter. Criteria: Genomenon Sequence Variant Interpretation Standards - Updated. Collection method: curation. Allele origin: germline. Affected: no.
Comment: GAA c.-17C>T is a variant located in the 5′ untranslated region (5′ UTR). This variant has been reported in the published literature (PMID:23465405). It is absent or not present at a significant frequency in gnomAD. In conclusion, we classify GAA c.-17C>T as a variant of uncertain significance.

Literature cited by the submitters: PubMed 23465405.